The following is an entry in ClinVar:

NM_000051.4(ATM):c.3519G>T (p.Leu1173Phe)

Gene: ATM (ATM serine/threonine kinase; plus strand). Cytogenetic location: 11q22.3.
Variant type: single nucleotide variant.
Coding change: c.3519G>T on transcript NM_000051.4 (MANE Select); coding-DNA position 3519, G replaced by T.
Protein change: p.Leu1173Phe; replaces leucine 1173 with phenylalanine.
Molecular consequence: missense variant.
Genome position (GRCh38, 1-based): chr11:108,281,111, G>T. VCF-style: chr11-108281111-G-T. GRCh37 (hg19) VCF-style: chr11-108151838-G-T.
Other names: c.3519G>T, p.Leu1173Phe (NM_001351834.2); short protein forms L1173F.
Identifiers: ClinVar variation 1371583 (VCV001371583.6), dbSNP rs1565442034, ClinGen allele CA382520033.
Genomic context (GRCh38, chr11:108,281,111, plus strand): 5'-TTTACTGACGTTGATAGCTGTGGTTTTATCCTGTAGCCCTATCTGCGAAAAACAGGCTTT[G>T]TTTGCCCTGTGTAAATCTGTGAAAGAGAATGGATTAGAACCTCACCTTGTGAAAAAGGTA-3'
Protein context (NP_000042.3, residues 1163-1183): SCSPICEKQA[Leu1173Phe]FALCKSVKEN

ClinVar aggregate classification (germline): Uncertain significance (1 of 4 stars; one submission).

Conditions:
Ataxia-telangiectasia syndrome (AT). Also called: Cerebello-oculocutaneous telangiectasia; Immunodeficiency with ataxia telangiectasia; AT, COMPLEMENTATION GROUP C; Ataxia-telangiectasia, complementation group E; LOUIS-BAR SYNDROME; ATAXIA-TELANGIECTASIA, COMPLEMENTATION GROUP A. Identifiers: Orphanet 100, MedGen C0004135, MONDO:0008840, OMIM 208900.

Submission:

Labcorp Genetics (formerly Invitae), Labcorp
Classification: Uncertain significance for Ataxia-telangiectasia syndrome. Last evaluated: 2021-08-01. Review status: criteria provided, single submitter. Criteria: Invitae Variant Classification Sherloc (09022015). Collection method: clinical testing. Allele origin: germline.
Comment: In summary, the available evidence is currently insufficient to determine the role of this variant in disease. Therefore, it has been classified as a Variant of Uncertain Significance. Advanced modeling of protein sequence and biophysical properties (such as structural, functional, and spatial information, amino acid conservation, physicochemical variation, residue mobility, and thermodynamic stability) performed at Invitae indicates that this missense variant is not expected to disrupt ATM protein function. This variant has not been reported in the literature in individuals affected with ATM-related conditions. This variant is not present in population databases (ExAC no frequency). This sequence change replaces leucine with phenylalanine at codon 1173 of the ATM protein (p.Leu1173Phe). The leucine residue is highly conserved and there is a small physicochemical difference between leucine and phenylalanine.